The following is an entry in ClinVar:

ClinVar aggregate classification (germline): Uncertain significance (1 of 4 stars; one submission).

Conditions:
Inborn genetic diseases. Identifiers: MedGen C0950123, MeSH D030342.

Submission:

Ambry Genetics
Classification: Uncertain significance for Inborn genetic diseases. Last evaluated: 2025-04-12. Review status: criteria provided, single submitter. Criteria: Ambry Variant Classification Scheme 2023. Collection method: clinical testing. Allele origin: germline.
Comment: The p.V320A variant (also known as c.959T>C), located in coding exon 5 of the ETV6 gene, results from a T to C substitution at nucleotide position 959. The valine at codon 320 is replaced by alanine, an amino acid with similar properties. This amino acid position is conserved. In addition, this alteration is predicted to be tolerated by in silico analysis. Based on the available evidence, the clinical significance of this variant remains unclear.

NM_001987.5(ETV6):c.959T>C (p.Val320Ala)

Gene: ETV6 (ETS variant transcription factor 6; plus strand). Cytogenetic location: 12p13.2.
Variant type: single nucleotide variant.
Coding change: c.959T>C on transcript NM_001987.5 (MANE Select); coding-DNA position 959, T replaced by C.
Protein change: p.Val320Ala; replaces valine 320 with alanine.
Molecular consequence: missense variant.
Genome position (GRCh38, 1-based): chr12:11,869,919, T>C. VCF-style: chr12-11869919-T-C. GRCh37 (hg19) VCF-style: chr12-12022853-T-C.
Other names: c.956T>C, p.Val319Ala (NM_001413913.1); c.932T>C, p.Val311Ala (NM_001413914.1); c.695T>C, p.Val232Ala (NM_001413915.1); c.959T>C, p.Val320Ala (NM_001413916.1, NM_001413917.1); short protein forms V232A, V311A, V319A, V320A.
Identifiers: ClinVar variation 4020069 (VCV004020069.1).